The following is an entry in ClinVar:

ClinVar aggregate classification (germline): Likely benign (1 of 4 stars; one submission).

gnomAD v4.1: 37 of 1,579,016 alleles (0.0023%); highest among the groups gnomAD compares: Non-Finnish European, 0.0029%; no homozygotes.

Submissions (2):

CeGaT Center for Human Genetics Tuebingen
Classification: Likely benign. Last evaluated: 2024-11-01. Review status: criteria provided, single submitter. Criteria: CeGaT Center For Human Genetics Tuebingen Variant Classification Criteria Version 2. Collection method: clinical testing. Allele origin: germline. Affected: yes. Observed: 1 variant allele.
Comment: HACE1: BP4, BP7

Dr. Peter K. Rogan Lab, Western University
No classification provided (evidence only). Condition: Gastric cancer. Review status: no classification provided. Collection method: in vitro. Allele origin: not applicable. Functional consequence: retained intron. Not counted in ClinVar's aggregate classification.

NM_020771.4(HACE1):c.783A>G (p.Gln261=)

Gene: HACE1 (HECT domain and ankyrin repeat containing E3 ubiquitin protein ligase 1; minus strand). Cytogenetic location: 6q16.3.
Variant type: single nucleotide variant.
Coding change: c.783A>G on transcript NM_020771.4 (MANE Select); coding-DNA position 783, A replaced by G.
Protein change: p.Gln261=; no amino-acid change (glutamine 261 retained).
Molecular consequence: synonymous variant. On other transcripts: 5 prime UTR variant (1), non-coding transcript variant (7).
Genome position (GRCh38, 1-based): chr6:104,796,688, T>C on the plus strand (A>G on the coding strand, the complement: HACE1 is on the minus strand). VCF-style: chr6-104796688-T-C. GRCh37 (hg19) VCF-style: chr6-105244563-T-C.
Other names: NC_000006.11:g.105244563T>C; c.651A>G, p.Gln217= (NM_001321080.2); c.681A>G, p.Gln227= (NM_001321083.2); c.279A>G, p.Gln93= (NM_001321084.2, NM_001350557.2, NM_001350558.2); c.549A>G, p.Gln183= (NM_001350554.2); c.492A>G, p.Gln164= (NM_001350555.2); c.297A>G, p.Gln99= (NM_001350556.2); c.201A>G, p.Gln67= (NM_001350559.2); and 1 more.
Identifiers: ClinVar variation 3390161 (VCV003390161.15).